The following is an entry in ClinVar:

NM_000321.3(RB1):c.185A>G (p.Gln62Arg)

Gene: RB1 (RB transcriptional corepressor 1; plus strand). Cytogenetic location: 13q14.2.
Variant type: single nucleotide variant.
Coding change: c.185A>G on transcript NM_000321.3 (MANE Select); coding-DNA position 185, A replaced by G.
Protein change: p.Gln62Arg; replaces glutamine 62 with arginine.
Molecular consequence: missense variant.
Genome position (GRCh38, 1-based): chr13:48,307,327, A>G. VCF-style: chr13-48307327-A-G. GRCh37 (hg19) VCF-style: chr13-48881463-A-G.
Other names: c.185A>G, p.Gln62Arg (NM_001407165.1, NM_001407166.1, NM_001407167.1); short protein forms Q62R.
Identifiers: ClinVar variation 3430914 (VCV003430914.1).
Genomic context (GRCh38, chr13:48,307,327, plus strand): 5'-TTTCATTTGGTAGGCTTGAGTTTGAAGAAACAGAAGAACCTGATTTTACTGCATTATGTC[A>G]GAAATTAAAGATACCAGATCATGTCAGAGAGAGAGCTTGGTTAACTTGGGAGAAAGTTTC-3'
Protein context (NP_000312.2, residues 52-72): TEEPDFTALC[Gln62Arg]KLKIPDHVRE

ClinVar aggregate classification (germline): Uncertain significance (1 of 4 stars; one submission).

Conditions:
Hereditary cancer-predisposing syndrome. Also called: Neoplastic Syndromes, Hereditary; Tumor predisposition; Hereditary Cancer Syndrome; Hereditary neoplastic syndrome. Identifiers: Orphanet 140162, MedGen C0027672, MeSH D009386, MONDO:0015356.

gnomAD v4.1: 11 of 1,610,552 alleles (0.00068%); highest among the groups gnomAD compares: Non-Finnish European, 0.00093%; no homozygotes.

Submission:

Ambry Genetics
Classification: Uncertain significance for Hereditary cancer-predisposing syndrome. Last evaluated: 2024-11-09. Review status: criteria provided, single submitter. Criteria: Ambry Variant Classification Scheme 2023. Collection method: clinical testing. Allele origin: germline.
Comment: The p.Q62R variant (also known as c.185A>G), located in coding exon 2 of the RB1 gene, results from an A to G substitution at nucleotide position 185. The glutamine at codon 62 is replaced by arginine, an amino acid with highly similar properties. This amino acid position is highly conserved in available vertebrate species. In addition, the in silico prediction for this alteration is inconclusive. Based on the available evidence, the clinical significance of this variant remains unclear.